The following is an entry in ClinVar:

NM_000540.3(RYR1):c.13111G>A (p.Ala4371Thr)

Gene: RYR1 (ryanodine receptor 1; plus strand). Cytogenetic location: 19q13.2.
Variant type: single nucleotide variant.
Coding change: c.13111G>A on transcript NM_000540.3 (MANE Select); coding-DNA position 13111, G replaced by A.
Protein change: p.Ala4371Thr; replaces alanine 4371 with threonine.
Molecular consequence: missense variant.
Genome position (GRCh38, 1-based): chr19:38,565,445, G>A. VCF-style: chr19-38565445-G-A. GRCh37 (hg19) VCF-style: chr19-39056085-G-A.
Other names: c.13096G>A, p.Ala4366Thr (NM_001042723.2); short protein forms A4371T, A4366T.
Identifiers: ClinVar variation 643945 (VCV000643945.13), dbSNP rs1337566743, ClinGen allele CA405673506.

ClinVar aggregate classification (germline): Uncertain significance. Review status: criteria provided, multiple submitters, no conflicts (2 of 4 stars). 5 submissions from 5 submitters: Uncertain significance (5). Last evaluated 2026-07-07.

Conditions:
Congenital myopathy with fiber type disproportion. Also called: Congenital fiber-type disproportion; Congenital fiber-type disproportion myopathy. Identifiers: Orphanet 2020, MedGen C0546264, MONDO:0009711. Inheritance: all.
Congenital multicore myopathy with external ophthalmoplegia (CMYO1B). Also called: MULTICORE MYOPATHY; MULTIMINICORE DISEASE WITH EXTERNAL OPHTHALMOPLEGIA; Minicore myopathy with external ophthalmoplegia; Congenital myopathy 1B, autosomal recessive; Minicore myopathy. Identifiers: Orphanet 598, Orphanet 98905, MedGen C1850674, MONDO:0009712, OMIM 255320, HP:0003789.
Central core myopathy (CMYO1A). Also called: Central core disease; Myopathy, central fibrillar; CONGENITAL MYOPATHY 1A, AUTOSOMAL DOMINANT, WITH SUSCEPTIBILITY TO MALIGNANT HYPERTHERMIA. Identifiers: Orphanet 597, MedGen C5830701, MONDO:0007294, OMIM 117000.
King Denborough syndrome (KDS). Identifiers: MedGen C1840365, MONDO:0020485, OMIM 619542.
Malignant hyperthermia, susceptibility to, 1 (MHS1). Also called: Anesthesia related hyperthermia; Malignant hyperpyrexia; Fulminating hyperpyrexia; Pharmacogenic myopathy; RYR1-Related Malignant Hyperthermia Susceptibility; Malignant hyperthermia suceptibility 1. Identifiers: Orphanet 423, MedGen C2930980, MONDO:0007783, OMIM 145600.
RYR1-related disorder. Also called: RYR1-related disorders; RYR1-related condition. Identifiers: MedGen CN239331.
Inborn genetic diseases. Identifiers: MedGen C0950123, MeSH D030342.

Allele frequency attached by ClinVar (database versions not stated): gnomAD 0.00001; TOPMed 0.00003; gnomAD exomes 0.00009.
gnomAD v4.1: 127 of 1,496,594 alleles (0.0085%); highest among the groups gnomAD compares: Non-Finnish European, 0.011%; no homozygotes.

Submissions (5):

Ambry Genetics
Classification: Uncertain significance for Inborn genetic diseases. Last evaluated: 2026-07-07. Review status: criteria provided, single submitter. Criteria: Ambry Variant Classification Scheme 2023. Collection method: clinical testing. Allele origin: germline.
Comment: The p.A4371T variant (also known as c.13111G>A), located in coding exon 91 of the RYR1 gene, results from a G to A substitution at nucleotide position 13111. The alanine at codon 4371 is replaced by threonine, an amino acid with similar properties. This amino acid position is conserved. In addition, the in silico prediction for this alteration is inconclusive. Based on the available evidence, the clinical significance of this variant remains unclear.

Labcorp Genetics (formerly Invitae), Labcorp
Classification: Uncertain significance for RYR1-related disorder. Last evaluated: 2026-01-21. Review status: criteria provided, single submitter. Criteria: Invitae Variant Classification Sherloc (09022015). Collection method: clinical testing. Allele origin: germline.
Comment: This sequence change replaces alanine, which is neutral and non-polar, with threonine, which is neutral and polar, at codon 4371 of the RYR1 protein (p.Ala4371Thr). The frequency data for this variant in the population databases is considered unreliable, as metrics indicate poor data quality at this position in the gnomAD database. This variant has not been reported in the literature in individuals affected with RYR1-related conditions. ClinVar contains an entry for this variant (Variation ID: 643945). Invitae Evidence Modeling of protein sequence and biophysical properties (such as structural, functional, and spatial information, amino acid conservation, physicochemical variation, residue mobility, and thermodynamic stability) indicates that this missense variant is not expected to disrupt RYR1 protein function with a negative predictive value of 80%. In summary, the available evidence is currently insufficient to determine the role of this variant in disease. Therefore, it has been classified as a Variant of Uncertain Significance.

GeneDx
Classification: Uncertain significance. Last evaluated: 2025-11-14. Review status: criteria provided, single submitter. Criteria: GeneDx Variant Classification Process June 2021. Collection method: clinical testing. Allele origin: germline.
Comment: Not observed at significant frequency in large population cohorts (gnomAD); In silico analysis supports that this missense variant has a deleterious effect on protein structure/function; Has not been previously published as pathogenic or benign to our knowledge; This variant is associated with the following publications: (PMID: 16084090)

Revvity Omics, Revvity
Classification: Uncertain significance. Last evaluated: 2024-11-06. Review status: criteria provided, single submitter. Criteria: ACMG Guidelines, 2015. Collection method: clinical testing. Allele origin: germline.

Fulgent Genetics
Classification: Uncertain significance for Central core myopathy; Malignant hyperthermia, susceptibility to, 1; Congenital myopathy 4A, autosomal dominant; Congenital multicore myopathy with external ophthalmoplegia; King Denborough syndrome. Last evaluated: 2021-08-17. Review status: criteria provided, single submitter. Criteria: ACMG Guidelines, 2015. Collection method: clinical testing. Allele origin: unknown.